The following is an entry in ClinVar:

NM_000310.4(PPT1):c.125-188_125-185del

Gene: PPT1 (palmitoyl-protein thioesterase 1; minus strand). Cytogenetic location: 1p34.2.
Variant type: Deletion.
Coding change: c.125-188_125-185del on transcript NM_000310.4 (MANE Select); 188 bases into the intron before coding-DNA position 125 through 185 bases into the intron before coding-DNA position 125, 4 bases deleted (AAGT; older notation c.125-188_125-185delAAGT).
Molecular consequence: intron variant.
Genome position (GRCh38, 1-based): chr1:40,092,692-40,092,695, ACTT deleted on the plus strand (AAGT on the coding strand, the reverse complement: PPT1 is on the minus strand); deleting any 4 consecutive bases within chr1:40,092,692-40,092,697 gives the same sequence; the c. name uses the placement nearest the transcript's 3' end. VCF-style (leftmost placement, unchanged base first): chr1-40092691-CACTT-C. GRCh37 (hg19) VCF-style: chr1-40558363-CACTT-C.
Other names: c.125-3183_125-3180del (NM_001142604.2); c.125-188_125-185del (NM_001363695.2).
Identifiers: ClinVar variation 668042 (VCV000668042.1), dbSNP rs72144657, ClinGen allele CA21017153.
Genomic context (GRCh38, chr1:40,092,691, plus strand): 5'-TTTGCAAAACAGTTATCTGATAAGGGCTTAATATCCAGAATATACAAGGAATCTATAACT[CACTT>C]ACAACTCAACAAAAAGATAACCTAATTTAAAAATGGGAAAAGAAATTAAACAGATATTTT-3'

ClinVar aggregate classification (germline): Benign (1 of 4 stars; one submission).

Submission:

GeneDx
Classification: Benign. Last evaluated: 2018-06-14. Review status: criteria provided, single submitter. Criteria: GeneDx Variant Classification (06012015). Collection method: clinical testing. Allele origin: germline. Affected: yes.
Comment: This variant is considered likely benign or benign based on one or more of the following criteria: it is a conservative change, it occurs at a poorly conserved position in the protein, it is predicted to be benign by multiple in silico algorithms, and/or has population frequency not consistent with disease.